The following is an entry in ClinVar:

ClinVar aggregate classification (germline): Uncertain significance. Review status: criteria provided, multiple submitters, no conflicts (2 of 4 stars). 2 submissions from 2 submitters: Uncertain significance (2). Last evaluated 2026-07-06.

Conditions:
Hereditary pheochromocytoma and paraganglioma. Also called: Hereditary paragangliomas and pheochromocytomas; Hereditary pheochromocytoma-paraganglioma; Hereditary Paraganglioma-Pheochromocytoma Syndromes. Identifiers: Orphanet 29072, MedGen C4274332, MONDO:0017366.
Hereditary cancer-predisposing syndrome. Also called: Tumor predisposition; Hereditary neoplastic syndrome; Hereditary Cancer Syndrome; Neoplastic Syndromes, Hereditary. Identifiers: Orphanet 140162, MedGen C0027672, MeSH D009386, MONDO:0015356.

Submissions (2):

Ambry Genetics
Classification: Uncertain significance for Hereditary cancer-predisposing syndrome. Last evaluated: 2026-07-06. Review status: criteria provided, single submitter. Criteria: Ambry Variant Classification Scheme 2023. Collection method: clinical testing. Allele origin: germline.
Comment: The p.K147R variant (also known as c.440A>G), located in coding exon 4 of the SDHAF2 gene, results from an A to G substitution at nucleotide position 440. The lysine at codon 147 is replaced by arginine, an amino acid with highly similar properties. This amino acid position is conserved. In addition, this alteration is predicted to be tolerated by in silico analysis. Based on the available evidence, the clinical significance of this variant remains unclear.

Labcorp Genetics (formerly Invitae), Labcorp
Classification: Uncertain significance for Hereditary pheochromocytoma and paraganglioma. Last evaluated: 2024-05-28. Review status: criteria provided, single submitter. Criteria: Invitae Variant Classification Sherloc (09022015). Collection method: clinical testing. Allele origin: germline.
Comment: This sequence change replaces lysine, which is basic and polar, with arginine, which is basic and polar, at codon 147 of the SDHAF2 protein (p.Lys147Arg). This variant is not present in population databases (gnomAD no frequency). This variant has not been reported in the literature in individuals affected with SDHAF2-related conditions. Algorithms developed to predict the effect of missense changes on protein structure and function output the following: SIFT: "Not Available"; PolyPhen-2: "Benign"; Align-GVGD: "Not Available". The arginine amino acid residue is found in multiple mammalian species, which suggests that this missense change does not adversely affect protein function. In summary, the available evidence is currently insufficient to determine the role of this variant in disease. Therefore, it has been classified as a Variant of Uncertain Significance.

NM_017841.4(SDHAF2):c.440A>G (p.Lys147Arg)

Gene: SDHAF2 (succinate dehydrogenase complex assembly factor 2; plus strand). Cytogenetic location: 11q12.2.
Variant type: single nucleotide variant.
Coding change: c.440A>G on transcript NM_017841.4 (MANE Select); coding-DNA position 440, A replaced by G.
Protein change: p.Lys147Arg; replaces lysine 147 with arginine.
Molecular consequence: missense variant.
Genome position (GRCh38, 1-based): chr11:61,446,010, A>G. VCF-style: chr11-61446010-A-G. GRCh37 (hg19) VCF-style: chr11-61213482-A-G.
Other names: short protein forms K147R.
Identifiers: ClinVar variation 3695262 (VCV003695262.3).